The following is an entry in ClinVar:

NM_139057.4(ADAMTS17):c.1162G>A (p.Ala388Thr)

Gene: ADAMTS17 (ADAM metallopeptidase with thrombospondin type 1 motif 17; minus strand). Cytogenetic location: 15q26.3.
Variant type: single nucleotide variant.
Coding change: c.1162G>A on transcript NM_139057.4 (MANE Select); coding-DNA position 1162, G replaced by A.
Protein change: p.Ala388Thr; replaces alanine 388 with threonine.
Molecular consequence: missense variant.
Genome position (GRCh38, 1-based): chr15:100,199,337, C>T on the plus strand (G>A on the coding strand, the complement: ADAMTS17 is on the minus strand). VCF-style: chr15-100199337-C-T. GRCh37 (hg19) VCF-style: chr15-100739542-C-T.
Other names: short protein forms A388T.
Identifiers: ClinVar variation 2178801 (VCV002178801.1), dbSNP rs547549203, ClinGen allele CA7758379.

ClinVar aggregate classification (germline): Uncertain significance (1 of 4 stars; one submission).

Allele frequency attached by ClinVar (database versions not stated): gnomAD 0.00001; ExAC 0.00002; 1000 Genomes Project 30x 0.00016; 1000 Genomes Project 0.00020.
gnomAD v4.1: 31 of 1,614,124 alleles (0.0019%); highest among the groups gnomAD compares: South Asian, 0.021%; no homozygotes.

Submission:

Labcorp Genetics (formerly Invitae), Labcorp
Classification: Uncertain significance. Last evaluated: 2022-04-01. Review status: criteria provided, single submitter. Criteria: Invitae Variant Classification Sherloc (09022015). Collection method: clinical testing. Allele origin: germline.
Comment: This sequence change replaces alanine, which is neutral and non-polar, with threonine, which is neutral and polar, at codon 388 of the ADAMTS17 protein (p.Ala388Thr). This variant is present in population databases (rs547549203, gnomAD 0.01%). This variant has not been reported in the literature in individuals affected with ADAMTS17-related conditions. Algorithms developed to predict the effect of missense changes on protein structure and function are either unavailable or do not agree on the potential impact of this missense change (SIFT: "Not Available"; PolyPhen-2: "Probably Damaging"; Align-GVGD: "Not Available"). In summary, the available evidence is currently insufficient to determine the role of this variant in disease. Therefore, it has been classified as a Variant of Uncertain Significance.